The following is an entry in ClinVar:

ClinVar aggregate classification (germline): Benign/Likely benign. Review status: criteria provided, multiple submitters, no conflicts (2 of 4 stars). 9 submissions from 9 submitters: Benign (7); Likely benign (2). Last evaluated 2026-02-04.

Conditions:
Familial cold autoinflammatory syndrome 3 (FCAS3). Also called: FAMILIAL ATYPICAL COLD URTICARIA; ANTIBODY DEFICIENCY AND IMMUNE DYSREGULATION, PLCG2-ASSOCIATED. Identifiers: Orphanet 300359, MedGen C3280914, MONDO:0013766, OMIM 614468.

Allele frequency attached by ClinVar (database versions not stated): 1000 Genomes Project 0.02396; 1000 Genomes Project 30x 0.02483; TOPMed 0.04539; gnomAD 0.04551 and 0.04677; gnomAD exomes 0.04646; ESP Exome Variant Server 0.05064; ExAC 0.06352.
gnomAD v4.1: 91,321 of 1,602,822 alleles (5.7%); highest among the groups gnomAD compares: Non-Finnish European, 6.5%; 3,082 homozygotes.

Submissions (9):

Labcorp Genetics (formerly Invitae), Labcorp
Classification: Benign for Familial cold autoinflammatory syndrome 3. Last evaluated: 2026-02-04. Review status: criteria provided, single submitter. Criteria: Invitae Variant Classification Sherloc (09022015). Collection method: clinical testing. Allele origin: germline.

Women's Health and Genetics/Laboratory Corporation of America, LabCorp
Classification: Likely benign. Last evaluated: 2026-01-21. Review status: criteria provided, single submitter. Criteria: LabCorp Variant Classification Summary - May 2015. Collection method: clinical testing. Allele origin: germline.

Genomic Medicine Center of Excellence, King Faisal Specialist Hospital and Research Centre
Classification: Benign for Familial cold autoinflammatory syndrome 3. Last evaluated: 2025-07-30. Review status: criteria provided, single submitter. Criteria: ACMG Guidelines, 2015. Collection method: clinical testing. Allele origin: germline.

ARUP Laboratories, Molecular Genetics and Genomics, ARUP Laboratories
Classification: Benign. Last evaluated: 2025-07-25. Review status: criteria provided, single submitter. Criteria: ARUP Molecular Germline Variant Investigation Process 2024. Collection method: clinical testing. Allele origin: germline.

Blueprint Genetics
Classification: Likely benign. Last evaluated: 2024-11-27. Review status: criteria provided, single submitter. Criteria: ACMG Guidelines, 2015. Collection method: clinical testing. Allele origin: germline.

Mayo Clinic Laboratories, Mayo Clinic
Classification: Benign. Last evaluated: 2023-06-20. Review status: criteria provided, single submitter. Criteria: ACMG Guidelines, 2015. Collection method: clinical testing. Allele origin: germline. Observed: 191 variant alleles.
Comment: BA1, BS2, BP4

Mendelics
Classification: Benign. Last evaluated: 2019-05-28. Review status: criteria provided, single submitter. Criteria: Mendelics Assertion Criteria 2017. Collection method: clinical testing. Allele origin: unknown.

Laboratory for Molecular Medicine, Mass General Brigham Personalized Medicine
Classification: Benign. Last evaluated: 2016-03-28. Review status: criteria provided, single submitter. Criteria: LMM Criteria. Collection method: clinical testing. Allele origin: germline.
Comment: Variant identified in a genome or exome case(s) and assessed due to predicted null impact of the variant or pathogenic assertions in the literature or databases. Disclaimer: This variant has not undergone full assessment. The following are preliminary notes: Frequency

Breakthrough Genomics
Classification: Benign. Review status: criteria provided, single submitter. Criteria: ACMG Guidelines, 2015. Collection method: not provided. Allele origin: germline. Inheritance: Autosomal dominant inheritance. Affected: yes.

Literature cited by the submitters: PubMed 30568185 (cited by Mayo Clinic Laboratories, Mayo Clinic); PubMed 34426522 (cited by Mayo Clinic Laboratories, Mayo Clinic).

NM_002661.5(PLCG2):c.802C>T (p.Arg268Trp)

Gene: PLCG2 (phospholipase C gamma 2; plus strand). Cytogenetic location: 16q23.3.
Variant type: single nucleotide variant.
Coding change: c.802C>T on transcript NM_002661.5 (MANE Select); coding-DNA position 802, C replaced by T.
Protein change: p.Arg268Trp; replaces arginine 268 with tryptophan.
Molecular consequence: missense variant.
Genome position (GRCh38, 1-based): chr16:81,889,208, C>T. VCF-style: chr16-81889208-C-T. GRCh37 (hg19) VCF-style: chr16-81922813-C-T.
Other names: short protein forms R268W.
Identifiers: ClinVar variation 403319 (VCV000403319.33), dbSNP rs1143687, ClinGen allele CA8193460.
Genomic context (GRCh38, chr16:81,889,208, plus strand): 5'-TCTCGTTCTCTTTGTCATTTTAAGGAGCATTGGGCTCAGGATCTGAACAAAGTCCGTGAG[C>T]GGATGACAAAGTTCATTGATGACACCATGCGTGAAACTGCTGAGCCTTTCTTGTTTGTGG-3'
Protein context (NP_002652.2, residues 258-278): WAQDLNKVRE[Arg268Trp]MTKFIDDTMR